The following is an entry in ClinVar:

ClinVar aggregate classification (germline): Uncertain significance (1 of 4 stars; one submission).

Conditions:
Hereditary cancer-predisposing syndrome. Also called: Tumor predisposition; Hereditary neoplastic syndrome; Neoplastic Syndromes, Hereditary; Hereditary Cancer Syndrome. Identifiers: Orphanet 140162, MedGen C0027672, MeSH D009386, MONDO:0015356.

Submission:

Ambry Genetics
Classification: Uncertain significance for Hereditary cancer-predisposing syndrome. Last evaluated: 2025-04-16. Review status: criteria provided, single submitter. Criteria: Ambry Variant Classification Scheme 2023. Collection method: clinical testing. Allele origin: germline.
Comment: The p.D885Y variant (also known as c.2653G>T), located in coding exon 10 of the BRCA2 gene, results from a G to T substitution at nucleotide position 2653. The aspartic acid at codon 885 is replaced by tyrosine, an amino acid with highly dissimilar properties. This amino acid position is not well conserved in available vertebrate species. In addition, the in silico prediction for this alteration is inconclusive. Based on the available evidence, the clinical significance of this variant remains unclear.

NM_000059.4(BRCA2):c.2653G>T (p.Asp885Tyr)

Gene: BRCA2 (BRCA2 DNA repair associated; plus strand). Cytogenetic location: 13q13.1.
Variant type: single nucleotide variant.
Coding change: c.2653G>T on transcript NM_000059.4 (MANE Select); coding-DNA position 2653, G replaced by T.
Protein change: p.Asp885Tyr; replaces aspartic acid 885 with tyrosine.
Molecular consequence: missense variant. On other transcripts: intron variant (2), non-coding transcript variant (1).
Genome position (GRCh38, 1-based): chr13:32,337,008, G>T. VCF-style: chr13-32337008-G-T. GRCh37 (hg19) VCF-style: chr13-32911145-G-T.
Other names: c.424+5978G>T (NM_001406722.1); c.2653G>T, p.Asp885Tyr (NM_001406719.1, NM_001406720.1, NM_001432077.1); c.1909+3621G>T (NM_001406721.1); short protein forms D885Y.
Identifiers: ClinVar variation 3992787 (VCV003992787.1).